The following is an entry in ClinVar:

NM_001130144.3(LTBP3):c.604C>T (p.Pro202Ser)

Gene: LTBP3 (latent transforming growth factor beta binding protein 3; minus strand). Cytogenetic location: 11q13.1.
Variant type: single nucleotide variant.
Coding change: c.604C>T on transcript NM_001130144.3 (MANE Select); coding-DNA position 604, C replaced by T.
Protein change: p.Pro202Ser; replaces proline 202 with serine.
Molecular consequence: missense variant.
Genome position (GRCh38, 1-based): chr11:65,554,108, G>A on the plus strand (C>T on the coding strand, the complement: LTBP3 is on the minus strand). VCF-style: chr11-65554108-G-A. GRCh37 (hg19) VCF-style: chr11-65321579-G-A.
Other names: c.253C>T, p.Pro85Ser (NM_001164266.1); c.604C>T, p.Pro202Ser (NM_021070.4); short protein forms P85S, P202S.
Identifiers: ClinVar variation 3292237 (VCV003292237.1).

ClinVar aggregate classification (germline): Uncertain significance (1 of 4 stars; one submission).

Conditions:
Inborn genetic diseases. Identifiers: MedGen C0950123, MeSH D030342.

Submission:

Ambry Genetics
Classification: Uncertain significance for Inborn genetic diseases. Last evaluated: 2024-03-22. Review status: criteria provided, single submitter. Criteria: Ambry Variant Classification Scheme 2023. Collection method: clinical testing. Allele origin: germline.
Comment: The p.P202S variant (also known as c.604C>T), located in coding exon 2 of the LTBP3 gene, results from a C to T substitution at nucleotide position 604. The proline at codon 202 is replaced by serine, an amino acid with similar properties. This amino acid position is conserved. In addition, this alteration is predicted to be tolerated by in silico analysis. Based on the available evidence, the clinical significance of this alteration remains unclear.